The following is an entry in ClinVar:

NM_001365536.1(SCN9A):c.1691T>C (p.Ile564Thr)

Genes: SCN1A-AS1 (SCN1A and SCN9A antisense RNA 1; plus strand), SCN9A (sodium voltage-gated channel alpha subunit 9; minus strand). Cytogenetic location: 2q24.3.
Variant type: single nucleotide variant.
Coding change: c.1691T>C on transcript NM_001365536.1 (MANE Select); coding-DNA position 1691, T replaced by C.
Protein change: p.Ile564Thr; replaces isoleucine 564 with threonine.
Molecular consequence: missense variant.
Genome position (GRCh38, 1-based): chr2:166,284,736, A>G on the plus strand (T>C on the coding strand, the complement: SCN9A is on the minus strand). VCF-style: chr2-166284736-A-G. GRCh37 (hg19) VCF-style: chr2-167141246-A-G.
Other names: c.1691T>C, p.Ile564Thr (NM_002977.4); short protein forms I564T.
Identifiers: ClinVar variation 864539 (VCV000864539.12), dbSNP rs777036338, ClinGen allele CA1944446.

ClinVar aggregate classification (germline): Uncertain significance. Review status: criteria provided, multiple submitters, no conflicts (2 of 4 stars). 3 submissions from 3 submitters: Uncertain significance (3). Last evaluated 2025-07-21.

Conditions:
Neuropathy, hereditary sensory and autonomic, type 2A (HSAN2A). Also called: HSAN IIA; MORVAN DISEASE; NEUROPATHY, CONGENITAL SENSORY; NEUROPATHY, HEREDITARY SENSORY RADICULAR, AUTOSOMAL RECESSIVE; NEUROPATHY, HEREDITARY SENSORY, TYPE IIA; NEUROPATHY, PROGRESSIVE SENSORY, OF CHILDREN. Identifiers: Orphanet 970, MedGen C2752089, MONDO:0024309, OMIM 201300.
Generalized epilepsy with febrile seizures plus, type 7 (GEFSP7). Also called: GEFS+, TYPE 7. Identifiers: Orphanet 36387, MedGen C2751778, MONDO:0013470, OMIM 613863.

Allele frequency attached by ClinVar (database versions not stated): TOPMed below 0.00001; gnomAD exomes 0.00001; ExAC 0.00002.
gnomAD v4.1: 20 of 1,613,926 alleles (0.0012%); highest among the groups gnomAD compares: South Asian, 0.012%; no homozygotes.

Submissions (3):

Labcorp Genetics (formerly Invitae), Labcorp
Classification: Uncertain significance for Neuropathy, hereditary sensory and autonomic, type 2A; Generalized epilepsy with febrile seizures plus, type 7. Last evaluated: 2025-07-21. Review status: criteria provided, single submitter. Criteria: Invitae Variant Classification Sherloc (09022015). Collection method: clinical testing. Allele origin: germline.
Comment: This sequence change replaces isoleucine, which is neutral and non-polar, with threonine, which is neutral and polar, at codon 564 of the SCN9A protein (p.Ile564Thr). This variant is present in population databases (rs777036338, gnomAD 0.01%). This missense change has been observed in individual(s) with diabetic painful neuropathy (PMID: 29176367). ClinVar contains an entry for this variant (Variation ID: 864539). Invitae Evidence Modeling of protein sequence and biophysical properties (such as structural, functional, and spatial information, amino acid conservation, physicochemical variation, residue mobility, and thermodynamic stability) indicates that this missense variant is not expected to disrupt SCN9A protein function with a negative predictive value of 95%. In summary, the available evidence is currently insufficient to determine the role of this variant in disease. Therefore, it has been classified as a Variant of Uncertain Significance.

Blueprint Genetics
Classification: Uncertain significance. Last evaluated: 2024-03-15. Review status: criteria provided, single submitter. Criteria: ACMG Guidelines, 2015. Collection method: clinical testing. Allele origin: germline.

GeneDx
Classification: Uncertain significance. Last evaluated: 2023-09-08. Review status: criteria provided, single submitter. Criteria: GeneDx Variant Classification Process June 2021. Collection method: clinical testing. Allele origin: germline. Affected: yes.
Comment: Reported in an adult patient with painful diabetic neuropathy in the published literature (Blesneac et al., 2018); In silico analysis supports that this missense variant does not alter protein structure/function; This variant is associated with the following publications: (PMID: 29176367)

Literature cited by the submitters: PubMed 29176367 (cited by Labcorp Genetics (formerly Invitae), Labcorp).